The following is an entry in ClinVar:

NM_003482.4(KMT2D):c.4624G>C (p.Asp1542His)

Gene: KMT2D (lysine methyltransferase 2D; minus strand). Cytogenetic location: 12q13.12.
Variant type: single nucleotide variant.
Coding change: c.4624G>C on transcript NM_003482.4 (MANE Select); coding-DNA position 4624, G replaced by C.
Protein change: p.Asp1542His; replaces aspartic acid 1542 with histidine.
Molecular consequence: missense variant.
Genome position (GRCh38, 1-based): chr12:49,046,134, C>G on the plus strand (G>C on the coding strand, the complement: KMT2D is on the minus strand). VCF-style: chr12-49046134-C-G. GRCh37 (hg19) VCF-style: chr12-49439917-C-G.
Other names: short protein forms D1542H.
Identifiers: ClinVar variation 2873412 (VCV002873412.3), dbSNP rs1433378692, ClinGen allele CA384644556.

ClinVar aggregate classification (germline): Uncertain significance (1 of 4 stars; one submission).

Conditions:
Kabuki syndrome. Also called: NIIKAWA-KUROKI SYNDROME; Kabuki make-up syndrome. Identifiers: Orphanet 2322, MedGen C0796004, MONDO:0016512.

gnomAD v4.1: 1 of 1,610,818 alleles (0.000062%); highest among the groups gnomAD compares: Non-Finnish European, 0.000085%; no homozygotes.

Submission:

Labcorp Genetics (formerly Invitae), Labcorp
Classification: Uncertain significance for Kabuki syndrome. Last evaluated: 2023-05-30. Review status: criteria provided, single submitter. Criteria: Invitae Variant Classification Sherloc (09022015). Collection method: clinical testing. Allele origin: germline.
Comment: Advanced modeling of protein sequence and biophysical properties (such as structural, functional, and spatial information, amino acid conservation, physicochemical variation, residue mobility, and thermodynamic stability) performed at Invitae indicates that this missense variant is not expected to disrupt KMT2D protein function. This variant has not been reported in the literature in individuals affected with KMT2D-related conditions. This variant is not present in population databases (gnomAD no frequency). This sequence change replaces aspartic acid, which is acidic and polar, with histidine, which is basic and polar, at codon 1542 of the KMT2D protein (p.Asp1542His). In summary, the available evidence is currently insufficient to determine the role of this variant in disease. Therefore, it has been classified as a Variant of Uncertain Significance.